The following is an entry in ClinVar:

NM_000152.5(GAA):c.1834C>T (p.His612Tyr)

Gene: GAA (alpha glucosidase; plus strand). Cytogenetic location: 17q25.3.
Variant type: single nucleotide variant.
Coding change: c.1834C>T on transcript NM_000152.5 (MANE Select); coding-DNA position 1834, C replaced by T.
Protein change: p.His612Tyr; replaces histidine 612 with tyrosine.
Molecular consequence: missense variant.
Genome position (GRCh38, 1-based): chr17:80,112,657, C>T. VCF-style: chr17-80112657-C-T. GRCh37 (hg19) VCF-style: chr17-78086456-C-T.
Other names: c.1834C>T, p.His612Tyr (NM_001079803.3, NM_001079804.3, NM_001406741.1 and 1 more transcripts); short protein forms H612Y.
Identifiers: ClinVar variation 3902747 (VCV003902747.2).

ClinVar aggregate classification (germline): Conflicting classifications of pathogenicity. Review status: criteria provided, conflicting classifications (1 of 4 stars). 2 submissions from 2 submitters: Likely pathogenic (1); Uncertain significance (1). Last evaluated 2026-07-01.

Conditions:
Glycogen storage disease, type II (IOPD). Also called: CARDIOMEGALIA GLYCOGENICA DIFFUSA; GLYCOGENOSIS, GENERALIZED, CARDIAC FORM; GSD II; Glycogen storage disease type 2; Acid maltase deficiency disease; Aglucosidase alfa. Identifiers: Orphanet 365, MedGen C0017921, MONDO:0009290, OMIM 232300.

Submissions (2):

Genomenon, Inc
Classification: Likely pathogenic for Glycogen storage disease, type II. Last evaluated: 2026-07-01. Review status: criteria provided, single submitter. Criteria: Genomenon Sequence Variant Interpretation Standards - Updated. Collection method: curation. Allele origin: germline. Affected: yes.
Comment: GAA p.His612Tyr (c.1834C>T) is a missense variant that changes the amino acid at codon 612 from Histidine to Tyrosine. This variant has been observed in at least one proband with a GAA-related disorder in the compound heterozygous and/or homozygous state (PMID:19588081). At least one functional study has demonstrated a substantial alteration in protein function relative to the wild-type (PMID:22644586). It is absent or not present at a significant frequency in gnomAD. In silico models predict that this variant is possibly or probably damaging. In conclusion, we classify GAA p.His612Tyr (c.1834C>T) as a likely pathogenic variant.

Women's Health and Genetics/Laboratory Corporation of America, LabCorp
Classification: Uncertain significance. Last evaluated: 2025-05-22. Review status: criteria provided, single submitter. Criteria: LabCorp Variant Classification Summary - May 2015. Collection method: clinical testing. Allele origin: germline.
Comment: Variant summary: GAA c.1834C>T (p.His612Tyr) results in a conservative amino acid change in the encoded protein sequence. Algorithms developed to predict the effect of missense changes on protein structure and function are either unavailable or do not agree on the potential impact of this missense change. The variant was absent in 245696 control chromosomes. The available data on variant occurrences in the general population are insufficient to allow any conclusion about variant significance. c.1834C>T has been observed in individual(s) affected with Glycogen Storage Disease, Type 2 (Oba-Shinjo_2009). These data do not allow any conclusion about variant significance. A different variant affecting the same codon has been classified as likely pathogenic by our lab (c.1836C>G, p.His612Gln), supporting the critical relevance of codon 612 to GAA protein function. To our knowledge, no experimental evidence demonstrating an impact on protein function has been reported. No submitters have cited clinical-significance assessments for this variant to ClinVar. Based on the evidence outlined above, the variant was classified as VUS-possibly pathogenic.

Literature cited by the submitters: PubMed 19588081 (cited by Genomenon, Inc and Women's Health and Genetics/Laboratory Corporation of America, LabCorp); PubMed 22644586 (cited by Genomenon, Inc).